The following is an entry in ClinVar:

ClinVar aggregate classification (germline): Uncertain significance (1 of 4 stars; one submission).

Conditions:
Pyruvate dehydrogenase E3-binding protein deficiency (PDHXD). Also called: E3-Binding Protein (Component X) Deficiency; PYRUVATE HYDROGENASE E3-BINDING PROTEIN DEFICIENCY; LACTIC ACIDEMIA DUE TO DEFECT IN LIPOYL-CONTAINING COMPONENT X OF THE PYRUVATE DEHYDROGENASE COMPLEX; Lacticacidemia due to PDX1 deficiency. Identifiers: Orphanet 255182, MedGen C1855553, MONDO:0009503, OMIM 245349.

Submission:

Centre for Mendelian Genomics, University Medical Centre Ljubljana
Classification: Uncertain significance for Pyruvate dehydrogenase E3-binding protein deficiency. Last evaluated: 2018-10-29. Review status: criteria provided, single submitter. Criteria: ACMG Guidelines, 2015. Collection method: clinical testing. Allele origin: unknown. Affected: yes.
Comment: This variant was classified as: Uncertain significance. The available evidence on this variant's pathogenicity is insufficient or conflicting. The following ACMG criteria were applied in classifying this variant: PM2,PP4. This variant was detected in homozygous state.

NM_003477.3(PDHX):c.1204G>T (p.Asp402Tyr)

Gene: PDHX (pyruvate dehydrogenase complex component X; plus strand). Cytogenetic location: 11p13.
Variant type: single nucleotide variant.
Coding change: c.1204G>T on transcript NM_003477.3 (MANE Select); coding-DNA position 1204, G replaced by T.
Protein change: p.Asp402Tyr; replaces aspartic acid 402 with tyrosine.
Molecular consequence: missense variant.
Genome position (GRCh38, 1-based): chr11:34,992,336, G>T. VCF-style: chr11-34992336-G-T. GRCh37 (hg19) VCF-style: chr11-35013883-G-T.
Other names: c.1024G>T, p.Asp342Tyr (NM_001135024.2); c.523G>T, p.Asp175Tyr (NM_001166158.2); short protein forms D402Y, D175Y, D342Y.
Identifiers: ClinVar variation 930847 (VCV000930847.3), dbSNP rs756801221, ClinGen allele CA380125842.